The following is an entry in ClinVar:

ClinVar aggregate classification (germline): Uncertain significance (1 of 4 stars; one submission).

Submission:

Labcorp Genetics (formerly Invitae), Labcorp
Classification: Uncertain significance. Last evaluated: 2022-05-15. Review status: criteria provided, single submitter. Criteria: Invitae Variant Classification Sherloc (09022015). Collection method: clinical testing. Allele origin: germline.
Comment: This sequence change replaces asparagine, which is neutral and polar, with lysine, which is basic and polar, at codon 1935 of the PCLO protein (p.Asn1935Lys). This variant is not present in population databases (gnomAD no frequency). This variant has not been reported in the literature in individuals affected with PCLO-related conditions. Algorithms developed to predict the effect of missense changes on protein structure and function are either unavailable or do not agree on the potential impact of this missense change (SIFT: "Tolerated"; PolyPhen-2: "Not Available"; Align-GVGD: "Class C0"). In summary, the available evidence is currently insufficient to determine the role of this variant in disease. Therefore, it has been classified as a Variant of Uncertain Significance.

NM_033026.6(PCLO):c.5805T>G (p.Asn1935Lys)

Gene: PCLO (piccolo presynaptic cytomatrix protein; minus strand). Cytogenetic location: 7q21.11.
Variant type: single nucleotide variant.
Coding change: c.5805T>G on transcript NM_033026.6 (MANE Select); coding-DNA position 5805, T replaced by G.
Protein change: p.Asn1935Lys; replaces asparagine 1935 with lysine.
Molecular consequence: missense variant.
Genome position (GRCh38, 1-based): chr7:82,955,148, A>C on the plus strand (T>G on the coding strand, the complement: PCLO is on the minus strand). VCF-style: chr7-82955148-A-C. GRCh37 (hg19) VCF-style: chr7-82584464-A-C.
Other names: c.5805T>G, p.Asn1935Lys (NM_014510.3); short protein forms N1935K.
Identifiers: ClinVar variation 2131849 (VCV002131849.4), dbSNP rs758038094, ClinGen allele CA367923085.